The following is an entry in ClinVar:

NM_004484.4(GPC3):c.1742G>T (p.Ter581Leu)

Gene: GPC3 (glypican 3; minus strand). Cytogenetic location: Xq26.2.
Variant type: single nucleotide variant.
Coding change: c.1742G>T on transcript NM_004484.4 (MANE Select); coding-DNA position 1742, G replaced by T.
Protein change: p.Ter581Leu.
Molecular consequence: stop lost.
Genome position (GRCh38, 1-based): chrX:133,536,125, C>A on the plus strand (G>T on the coding strand, the complement: GPC3 is on the minus strand). VCF-style: chrX-133536125-C-A. GRCh37 (hg19) VCF-style: chrX-132670153-C-A.
Other names: c.1811G>T, p.Ter604Leu (NM_001164617.2); c.1694G>T, p.Ter565Leu (NM_001164618.2); c.1580G>T, p.Ter527Leu (NM_001164619.2).
Identifiers: ClinVar variation 2148200 (VCV002148200.6), dbSNP rs2520461640, ClinGen allele CA414702315.

ClinVar aggregate classification (germline): Uncertain significance. Review status: criteria provided, multiple submitters, no conflicts (2 of 4 stars). 2 submissions from 2 submitters: Uncertain significance (2). Last evaluated 2024-09-03.

Conditions:
Wilms tumor 1 (WT1). Also called: Wilms tumor, somatic. Identifiers: Orphanet 654, MedGen CN033288, MONDO:0008679, OMIM 194070.

Submissions (2):

GeneDx
Classification: Uncertain significance. Last evaluated: 2024-09-03. Review status: criteria provided, single submitter. Criteria: GeneDx Variant Classification Process June 2021. Collection method: clinical testing. Allele origin: germline.
Comment: Not observed at significant frequency in large population cohorts (gnomAD); Stop codon loss and change to a leucine codon, leading to protein extension and the addition of 19 amino acids at the C-terminus; Has not been previously published as pathogenic or benign to our knowledge

Labcorp Genetics (formerly Invitae), Labcorp
Classification: Uncertain significance for Wilms tumor 1. Last evaluated: 2022-01-28. Review status: criteria provided, single submitter. Criteria: Invitae Variant Classification Sherloc (09022015). Collection method: clinical testing. Allele origin: germline.
Comment: In summary, the available evidence is currently insufficient to determine the role of this variant in disease. Therefore, it has been classified as a Variant of Uncertain Significance. This variant has not been reported in the literature in individuals affected with GPC3-related conditions. This variant is not present in population databases (gnomAD no frequency). This sequence change disrupts the translational stop signal of the GPC3 mRNA. It is expected to extend the length of the GPC3 protein by 19 additional amino acid residues.